The following is an entry in ClinVar:

NM_000535.7(PMS2):c.679A>G (p.Ile227Val)

Gene: PMS2 (PMS1 homolog 2, mismatch repair system component; minus strand). Cytogenetic location: 7p22.1.
Variant type: single nucleotide variant.
Coding change: c.679A>G on transcript NM_000535.7 (MANE Select); coding-DNA position 679, A replaced by G.
Protein change: p.Ile227Val; replaces isoleucine 227 with valine.
Molecular consequence: missense variant. On other transcripts: 5 prime UTR variant (2), non-coding transcript variant (1), intron variant (1).
Genome position (GRCh38, 1-based): chr7:5,999,134, T>C on the plus strand (A>G on the coding strand, the complement: PMS2 is on the minus strand). VCF-style: chr7-5999134-T-C. GRCh37 (hg19) VCF-style: chr7-6038765-T-C.
Other names: c.274A>G, p.Ile92Val (NM_001322003.2, NM_001322004.2, NM_001322005.2 and 2 more transcripts); c.679A>G, p.Ile227Val (NM_001322006.2, NM_001322014.2); c.361A>G, p.Ile121Val (NM_001322007.2, NM_001322008.2); c.-255A>G (NM_001322011.2, NM_001322012.2); c.370A>G, p.Ile124Val (NM_001322015.2); c.133-1711A>G (NM_001322013.2); short protein forms I227V, I121V, I92V, I124V.
Identifiers: ClinVar variation 484329 (VCV000484329.11), dbSNP rs1554302326, ClinGen allele CA366743861.
Genomic context (GRCh38, chr7:5,999,134, plus strand): 5'-AATAAGAGGCGTTGAAGTAACCGGCCATCACTACCTGCTTCTGCCCAAACACAGAGCCGA[T>C]ATTTTCCTTTATGCTGGGGCTTCCACCTGTGCATACCACAGGCTGTCGTTTTCCTTGTCC-3'
Protein context (NP_000526.2, residues 217-237): TGGSPSIKEN[Ile227Val]GSVFGQKQLQ

ClinVar aggregate classification (germline): Uncertain significance. Review status: criteria provided, multiple submitters, no conflicts (2 of 4 stars). 2 submissions from 2 submitters: Uncertain significance (2). Last evaluated 2024-06-12.

Conditions:
Hereditary nonpolyposis colorectal neoplasms. Identifiers: MedGen C0009405, MeSH D003123.
Hereditary cancer-predisposing syndrome. Also called: Neoplastic Syndromes, Hereditary; Tumor predisposition; Hereditary Cancer Syndrome; Hereditary neoplastic syndrome. Identifiers: Orphanet 140162, MedGen C0027672, MeSH D009386, MONDO:0015356.

Submissions (2):

Labcorp Genetics (formerly Invitae), Labcorp
Classification: Uncertain significance for Hereditary nonpolyposis colorectal neoplasms. Last evaluated: 2024-06-12. Review status: criteria provided, single submitter. Criteria: Invitae Variant Classification Sherloc (09022015). Collection method: clinical testing. Allele origin: germline.
Comment: This sequence change replaces isoleucine, which is neutral and non-polar, with valine, which is neutral and non-polar, at codon 227 of the PMS2 protein (p.Ile227Val). This variant is not present in population databases (gnomAD no frequency). This variant has not been reported in the literature in individuals affected with PMS2-related conditions. ClinVar contains an entry for this variant (Variation ID: 484329). Advanced modeling of protein sequence and biophysical properties (such as structural, functional, and spatial information, amino acid conservation, physicochemical variation, residue mobility, and thermodynamic stability) performed at Invitae indicates that this missense variant is not expected to disrupt PMS2 protein function with a negative predictive value of 80%. In summary, the available evidence is currently insufficient to determine the role of this variant in disease. Therefore, it has been classified as a Variant of Uncertain Significance.

Ambry Genetics
Classification: Uncertain significance for Hereditary cancer-predisposing syndrome. Last evaluated: 2017-09-19. Review status: criteria provided, single submitter. Criteria: Ambry Variant Classification Scheme 2023. Collection method: clinical testing. Allele origin: germline.
Comment: The p.I227V variant (also known as c.679A>G), located in coding exon 6 of the PMS2 gene, results from an A to G substitution at nucleotide position 679. The isoleucine at codon 227 is replaced by valine, an amino acid with highly similar properties. This amino acid position is highly conserved in available vertebrate species. In addition, the in silico prediction for this alteration is inconclusive. Since supporting evidence is limited at this time, the clinical significance of this alteration remains unclear.